The following is an entry in ClinVar:

NM_024652.6(LRRK1):c.2233-1G>A

Gene: LRRK1 (leucine rich repeat kinase 1; plus strand). Cytogenetic location: 15q26.3.
Variant type: single nucleotide variant.
Coding change: c.2233-1G>A on transcript NM_024652.6 (MANE Select); the canonical splice acceptor site of the intron before coding-DNA position 2233, G replaced by A.
Molecular consequence: splice acceptor variant.
Genome position (GRCh38, 1-based): chr15:101,025,964, G>A. VCF-style: chr15-101025964-G-A. GRCh37 (hg19) VCF-style: chr15-101566169-G-A.
Identifiers: ClinVar variation 1523081 (VCV001523081.6), dbSNP rs55966303, ClinGen allele CA7761173.

ClinVar aggregate classification (germline): Likely pathogenic (1 of 4 stars; one submission).

Allele frequency attached by ClinVar (database versions not stated): gnomAD exomes 0.00001 and below 0.00001; TOPMed below 0.00001; ExAC 0.00001.
gnomAD v4.1: 2 of 1,614,158 alleles (0.00012%); highest among the groups gnomAD compares: Admixed American, 0.0033%; no homozygotes.

Submission:

Labcorp Genetics (formerly Invitae), Labcorp
Classification: Likely pathogenic. Last evaluated: 2023-06-19. Review status: criteria provided, single submitter. Criteria: Invitae Variant Classification Sherloc (09022015). Collection method: clinical testing. Allele origin: germline.
Comment: In summary, the currently available evidence indicates that the variant is pathogenic, but additional data are needed to prove that conclusively. Therefore, this variant has been classified as Likely Pathogenic. Algorithms developed to predict the effect of sequence changes on RNA splicing suggest that this variant may disrupt the consensus splice site. ClinVar contains an entry for this variant (Variation ID: 1523081). This variant has not been reported in the literature in individuals affected with LRRK1-related conditions. This variant is present in population databases (rs55966303, gnomAD 0.006%). This sequence change affects an acceptor splice site in intron 16 of the LRRK1 gene. It is expected to disrupt RNA splicing. Variants that disrupt the donor or acceptor splice site typically lead to a loss of protein function (PMID: 16199547), and loss-of-function variants in LRRK1 are known to be pathogenic (PMID: 23526378, 31571209, 32119750).

Literature cited by the submitters: PubMed 16199547; PubMed 23526378; PubMed 31571209; PubMed 32119750.